The following is an entry in ClinVar:

ClinVar aggregate classification (germline): Uncertain significance (1 of 4 stars; one submission).

Conditions:
SCAPER-related disorder. Also called: SCAPER-related condition.

Submission:

PreventionGenetics, part of Exact Sciences
Classification: Uncertain significance for SCAPER-related condition. Last evaluated: 2024-10-13. Review status: criteria provided, single submitter. Criteria: ACMG Guidelines, 2015. Collection method: clinical testing. Allele origin: germline.
Comment: The SCAPER c.377G>A variant is predicted to result in the amino acid substitution p.Ser126Asn. To our knowledge, this variant has not been reported in the literature or in a large population database (gnomAD), indicating this variant is rare. At this time, the clinical significance of this variant is uncertain due to the absence of conclusive functional and genetic evidence.

NM_020843.4(SCAPER):c.377G>A (p.Ser126Asn)

Gene: SCAPER (S-phase cyclin A associated protein in the ER; minus strand). Cytogenetic location: 15q24.3.
Variant type: single nucleotide variant.
Coding change: c.377G>A on transcript NM_020843.4 (MANE Select); coding-DNA position 377, G replaced by A.
Protein change: p.Ser126Asn; replaces serine 126 with asparagine.
Molecular consequence: missense variant. On other transcripts: 5 prime UTR variant (4), non-coding transcript variant (1).
Genome position (GRCh38, 1-based): chr15:76,841,750, C>T on the plus strand (G>A on the coding strand, the complement: SCAPER is on the minus strand). VCF-style: chr15-76841750-C-T. GRCh37 (hg19) VCF-style: chr15-77134091-C-T.
Other names: c.-521G>A (NM_001145923.2); c.377G>A, p.Ser126Asn (NM_001353009.2); c.-26G>A (NM_001353010.2, NM_001353011.2, NM_001353012.2); short protein forms S126N.
Identifiers: ClinVar variation 5001023 (VCV005001023.1).